The following is an entry in ClinVar:

NM_001171.6(ABCC6):c.993G>T (p.Leu331=)

Gene: ABCC6 (ATP binding cassette subfamily C member 6; minus strand). Cytogenetic location: 16p13.11.
Variant type: single nucleotide variant.
Coding change: c.993G>T on transcript NM_001171.6 (MANE Select); coding-DNA position 993, G replaced by T.
Protein change: p.Leu331=; no amino-acid change (leucine 331 retained).
Molecular consequence: synonymous variant. On other transcripts: non-coding transcript variant (1).
Genome position (GRCh38, 1-based): chr16:16,203,415, C>A on the plus strand (G>T on the coding strand, the complement: ABCC6 is on the minus strand). VCF-style: chr16-16203415-C-A. GRCh37 (hg19) VCF-style: chr16-16297272-C-A.
Other names: NC_000016.9:g.16297272C>A; p.Leu331=; c.651G>T, p.Leu217= (NM_001351800.1).
Identifiers: ClinVar variation 776985 (VCV000776985.7), dbSNP rs146523238, ClinGen allele CA7926504.
Genomic context (GRCh38, chr16:16,203,415, plus strand): 5'-GGATGCCACTAAGAGACCACCCACCTTAGCAGGGCACTTGAGGTCTGGGACTCACCTGAG[C>A]AGCTTGGGGACAGTGAACCTGAAGACATCACTGATGATGAGGCTGAGGGTCCCCAGGAGG-3'
Protein context (NP_001162.5, residues 321-341): SDVFRFTVPK[Leu331=]LSLFLEFIGD

ClinVar aggregate classification (germline): Benign. Review status: criteria provided, multiple submitters, no conflicts (2 of 4 stars). 3 submissions from 3 submitters: Benign (3). Last evaluated 2025-08-26.

Allele frequency attached by ClinVar (database versions not stated): gnomAD exomes 0.00272 and 0.00092; ESP Exome Variant Server 0.01162; 1000 Genomes Project 30x 0.01437; ExAC 0.00307; TOPMed 0.01209; gnomAD 0.01030 and 0.01092; 1000 Genomes Project 0.01338.
gnomAD v4.1: 2,961 of 1,613,876 alleles (0.18%); highest among the groups gnomAD compares: African/African-American, 3.5%; 54 homozygotes.

Submissions (4):

Mayo Clinic Laboratories, Mayo Clinic
Classification: Benign. Last evaluated: 2025-08-26. Review status: criteria provided, single submitter. Criteria: ACMG Guidelines, 2015. Collection method: clinical testing. Allele origin: germline. Observed: 2 variant alleles.
Comment: BS1, BS2, BP4, BP7

Labcorp Genetics (formerly Invitae), Labcorp
Classification: Benign. Last evaluated: 2019-12-31. Review status: criteria provided, single submitter. Criteria: Invitae Variant Classification Sherloc (09022015). Collection method: clinical testing. Allele origin: germline.

Breakthrough Genomics
Classification: Benign. Review status: criteria provided, single submitter. Criteria: ACMG Guidelines, 2015. Collection method: not provided. Allele origin: germline. Inheritance: Autosomal recessive inheritance. Affected: yes.

Dr. Peter K. Rogan Lab, Western University
No classification provided (evidence only). Condition: Hepatocellular carcinoma. Review status: no classification provided. Collection method: in vitro. Allele origin: not applicable. Functional consequence: retained intron. Not counted in ClinVar's aggregate classification.